The following is an entry in ClinVar:

ClinVar aggregate classification (germline): Uncertain significance. Review status: criteria provided, multiple submitters, no conflicts (2 of 4 stars). 2 submissions from 2 submitters: Uncertain significance (2). Last evaluated 2025-09-29.

Conditions:
Brugada syndrome. Also called: Sudden unexpected nocturnal death syndrome; Sudden Unexplained Death Syndrome; Sudden Unexplained Nocturnal Death Syndrome (SUNDS); Sudden unexplained nocturnal death syndrome. Identifiers: Orphanet 130, MedGen C1142166, MONDO:0015263.

Submissions (2):

Labcorp Genetics (formerly Invitae), Labcorp
Classification: Uncertain significance for Brugada syndrome. Last evaluated: 2025-09-29. Review status: criteria provided, single submitter. Criteria: Invitae Variant Classification Sherloc (09022015). Collection method: clinical testing. Allele origin: germline.
Comment: This sequence change replaces glycine, which is neutral and non-polar, with arginine, which is basic and polar, at codon 750 of the SCN10A protein (p.Gly750Arg). This variant is not present in population databases (gnomAD no frequency). This variant has not been reported in the literature in individuals affected with SCN10A-related conditions. ClinVar contains an entry for this variant (Variation ID: 1685086). An algorithm developed to predict the effect of missense changes on protein structure and function (PolyPhen-2) suggests that this variant is likely to be disruptive. In summary, the available evidence is currently insufficient to determine the role of this variant in disease. Therefore, it has been classified as a Variant of Uncertain Significance.

Mendelics
Classification: Uncertain significance. Last evaluated: 2022-05-04. Review status: criteria provided, single submitter. Criteria: Mendelics Assertion Criteria 2019. Collection method: clinical testing. Allele origin: germline.

NM_006514.4(SCN10A):c.2248G>C (p.Gly750Arg)

Gene: SCN10A (sodium voltage-gated channel alpha subunit 10; minus strand). Cytogenetic location: 3p22.2.
Variant type: single nucleotide variant.
Coding change: c.2248G>C on transcript NM_006514.4 (MANE Select); coding-DNA position 2248, G replaced by C.
Protein change: p.Gly750Arg; replaces glycine 750 with arginine.
Molecular consequence: missense variant.
Genome position (GRCh38, 1-based): chr3:38,739,547, C>G on the plus strand (G>C on the coding strand, the complement: SCN10A is on the minus strand). VCF-style: chr3-38739547-C-G. GRCh37 (hg19) VCF-style: chr3-38781038-C-G.
Other names: c.2248G>C, p.Gly750Arg (NM_001293306.2); c.1954G>C, p.Gly652Arg (NM_001293307.2); short protein forms G652R, G750R.
Identifiers: ClinVar variation 1685086 (VCV001685086.3), dbSNP rs773267272, ClinGen allele CA72974420.